The following is an entry in ClinVar:

NC_000004.11:g.(?_151682915)_(151719314_?)del

Gene: LRBA (LPS responsive beige-like anchor protein; minus strand). Cytogenetic location: 4q31.3.
Variant type: Deletion.
Identifiers: ClinVar variation 3246678 (VCV003246678.1).

ClinVar aggregate classification (germline): Pathogenic (1 of 4 stars; one submission).

Conditions:
Combined immunodeficiency due to LRBA deficiency. Also called: Common variable immunodeficiency 8, with autoimmunity. Identifiers: Orphanet 445018, MedGen C3553512, MONDO:0013863, OMIM 614700.

Submission:

Labcorp Genetics (formerly Invitae), Labcorp
Classification: Pathogenic for Combined immunodeficiency due to LRBA deficiency. Last evaluated: 2023-05-29. Review status: criteria provided, single submitter. Criteria: Invitae Variant Classification Sherloc (09022015). Collection method: clinical testing. Allele origin: unknown.
Comment: This variant has not been reported in the literature in individuals affected with LRBA-related conditions. For these reasons, this variant has been classified as Pathogenic. This variant is a gross deletion of the genomic region encompassing exon(s) 34-35 of the LRBA gene. This deletion is out-of-frame, and is expected to create a premature termination codon and result in an absent or disrupted protein product. Loss-of-function variants in LRBA are known to be pathogenic (PMID: 26206937, 26768763).

Literature cited by the submitters: PubMed 26206937; PubMed 26768763.